The following is an entry in ClinVar:

ClinVar aggregate classification (germline): Uncertain significance (1 of 4 stars; one submission).

Conditions:
Bardet-Biedl syndrome (BBS). Identifiers: Orphanet 110, MedGen C0752166, MONDO:0015229.

gnomAD v4.1: 2 of 1,614,098 alleles (0.00012%); highest among the groups gnomAD compares: Admixed American, 0.0017%; no homozygotes.

Submission:

Labcorp Genetics (formerly Invitae), Labcorp
Classification: Uncertain significance for Bardet-Biedl syndrome. Last evaluated: 2024-04-17. Review status: criteria provided, single submitter. Criteria: Invitae Variant Classification Sherloc (09022015). Collection method: clinical testing. Allele origin: germline.
Comment: This sequence change replaces arginine, which is basic and polar, with serine, which is neutral and polar, at codon 467 of the BBS10 protein (p.Arg467Ser). This variant is not present in population databases (gnomAD no frequency). This variant has not been reported in the literature in individuals affected with BBS10-related conditions. ClinVar contains an entry for this variant (Variation ID: 1905143). Advanced modeling of protein sequence and biophysical properties (such as structural, functional, and spatial information, amino acid conservation, physicochemical variation, residue mobility, and thermodynamic stability) performed at Invitae indicates that this missense variant is not expected to disrupt BBS10 protein function with a negative predictive value of 80%. In summary, the available evidence is currently insufficient to determine the role of this variant in disease. Therefore, it has been classified as a Variant of Uncertain Significance.

NM_024685.4(BBS10):c.1401G>C (p.Arg467Ser)

Gene: BBS10 (Bardet-Biedl syndrome 10; minus strand). Cytogenetic location: 12q21.2.
Variant type: single nucleotide variant.
Coding change: c.1401G>C on transcript NM_024685.4 (MANE Select); coding-DNA position 1401, G replaced by C.
Protein change: p.Arg467Ser; replaces arginine 467 with serine.
Molecular consequence: missense variant.
Genome position (GRCh38, 1-based): chr12:76,346,584, C>G on the plus strand (G>C on the coding strand, the complement: BBS10 is on the minus strand). VCF-style: chr12-76346584-C-G. GRCh37 (hg19) VCF-style: chr12-76740364-C-G.
Other names: short protein forms R467S.
Identifiers: ClinVar variation 1905143 (VCV001905143.4), dbSNP rs1951760279, ClinGen allele CA385811251.